The following is an entry in ClinVar:

ClinVar aggregate classification (germline): Likely pathogenic (1 of 4 stars; one submission).

Conditions:
Leber congenital amaurosis (LCA). Also called: Leber's amaurosis. Identifiers: Orphanet 65, MedGen C0339527, MeSH D057130, MONDO:0018998.

Submission:

Natera, Inc.
Classification: Likely pathogenic for Leber congenital amaurosis. Last evaluated: 2025-08-26. Review status: criteria provided, single submitter. Criteria: Natera Variant Classification Schema (03/2026). Collection method: clinical testing. Allele origin: germline.
Comment: The c.95-1G>A variant in RPE65 is a canonical splice acceptor site variant predicted to affect pre-mRNA splicing, which may result in an abnormal transcript and altered protein product. This variant is expected to result in nonsense mediated decay, truncation, or a dysfunctional protein product. This variant is rare in the general population with a frequency below the threshold expected for the associated phenotype(s). Given the available evidence, this variant is classified as Likely Pathogenic.

NM_000329.3(RPE65):c.95-1G>A

Gene: RPE65 (retinoid isomerohydrolase RPE65; minus strand). Cytogenetic location: 1p31.3.
Variant type: single nucleotide variant.
Coding change: c.95-1G>A on transcript NM_000329.3 (MANE Select); the canonical splice acceptor site of the intron before coding-DNA position 95, G replaced by A.
Molecular consequence: splice acceptor variant. On other transcripts: intron variant (1).
Genome position (GRCh38, 1-based): chr1:68,446,861, C>T on the plus strand (G>A on the coding strand, the complement: RPE65 is on the minus strand). VCF-style: chr1-68446861-C-T. GRCh37 (hg19) VCF-style: chr1-68912544-C-T.
Other names: c.-182-1G>A (NM_001406857.1); c.-32+1763G>A (NM_001406856.1); c.95-1G>A (NM_001406853.1, NM_001406859.1, NM_001406860.1).
Identifiers: ClinVar variation 4818178 (VCV004818178.1).